The following is an entry in ClinVar:

NM_000548.5(TSC2):c.3181C>A (p.Leu1061Met)

Gene: TSC2 (TSC complex subunit 2; plus strand). Cytogenetic location: 16p13.3.
Variant type: single nucleotide variant.
Coding change: c.3181C>A on transcript NM_000548.5 (MANE Select); coding-DNA position 3181, C replaced by A.
Protein change: p.Leu1061Met; replaces leucine 1061 with methionine.
Molecular consequence: missense variant. On other transcripts: non-coding transcript variant (5).
Genome position (GRCh38, 1-based): chr16:2,079,325, C>A. VCF-style: chr16-2079325-C-A. GRCh37 (hg19) VCF-style: chr16-2129326-C-A.
Other names: c.3049C>A, p.Leu1017Met (NM_001077183.3, NM_001370404.1, NM_001406665.1); c.3181C>A, p.Leu1061Met (NM_001114382.3); c.2941C>A, p.Leu981Met (NM_001318827.2); c.2905C>A, p.Leu969Met (NM_001318829.2); c.2449C>A, p.Leu817Met (NM_001318831.2, NM_001406687.1, NM_001406688.1); c.3082C>A, p.Leu1028Met (NM_001318832.2); c.3052C>A, p.Leu1018Met (NM_001363528.2, NM_001370405.1, NM_021055.3); c.3178C>A, p.Leu1060Met (NM_001406663.1, NM_001406664.1); and 18 more; short protein forms L1013M, L1048M, L1061M, L861M, L969M, L1014M, L1047M, L1060M.
Identifiers: ClinVar variation 2747514 (VCV002747514.3), dbSNP rs946673791, ClinGen allele CA394285548.

ClinVar aggregate classification (germline): Uncertain significance. Review status: criteria provided, multiple submitters, no conflicts (2 of 4 stars). 2 submissions from 2 submitters: Uncertain significance (2). Last evaluated 2023-10-31.

Conditions:
Tuberous sclerosis syndrome (TSC). Also called: Tuberous Sclerosis Complex; Tuberous sclerosis. Identifiers: Orphanet 805, MedGen C0041341, MONDO:0001734.
Tuberous sclerosis 2 (TSC2). Identifiers: Orphanet 805, MedGen C1860707, MONDO:0013199, OMIM 613254.

Submissions (2):

Labcorp Genetics (formerly Invitae), Labcorp
Classification: Uncertain significance for Tuberous sclerosis 2. Last evaluated: 2023-10-31. Review status: criteria provided, single submitter. Criteria: Invitae Variant Classification Sherloc (09022015). Collection method: clinical testing. Allele origin: germline.
Comment: This sequence change replaces leucine, which is neutral and non-polar, with methionine, which is neutral and non-polar, at codon 1061 of the TSC2 protein (p.Leu1061Met). This variant is not present in population databases (gnomAD no frequency). This variant has not been reported in the literature in individuals affected with TSC2-related conditions. Advanced modeling of protein sequence and biophysical properties (such as structural, functional, and spatial information, amino acid conservation, physicochemical variation, residue mobility, and thermodynamic stability) performed at Invitae indicates that this missense variant is not expected to disrupt TSC2 protein function with a negative predictive value of 95%. In summary, the available evidence is currently insufficient to determine the role of this variant in disease. Therefore, it has been classified as a Variant of Uncertain Significance.

All of Us Research Program, National Institutes of Health
Classification: Uncertain significance for Tuberous sclerosis syndrome. Last evaluated: 2023-02-24. Review status: criteria provided, single submitter. Criteria: ACMG Guidelines, 2015. Collection method: clinical testing. Allele origin: germline. Inheritance: Autosomal dominant inheritance. Observed: 1 variant allele, 1 heterozygote.
Comment: This missense variant replaces leucine with methionine at codon 1061 of the TSC2 protein. Computational prediction suggests that this variant may have deleterious impact on protein structure and function (internally defined REVEL score threshold >= 0.7, PMID: 27666373). To our knowledge, functional studies have not been reported for this variant. This variant has not been reported in individuals affected with tuberous sclerosis complex in the literature. This variant has not been identified in the general population by the Genome Aggregation Database (gnomAD). The available evidence is insufficient to determine the role of this variant in disease conclusively. Therefore, this variant is classified as a Variant of Uncertain Significance.

This study involves interpretation of variants in research participants for the purpose of population health screening. Participant phenotype was not available at the time of variant classification. Additional details can be found in publication PMID: 35346344, PMCID: PMC8962531